The following is an entry in ClinVar:

NM_001369.3(DNAH5):c.7579_7590del (p.Thr2527_Asp2530del)

Gene: DNAH5 (dynein axonemal heavy chain 5; minus strand). Cytogenetic location: 5p15.2.
Variant type: Deletion.
Coding change: c.7579_7590del on transcript NM_001369.3 (MANE Select); coding-DNA positions 7579 to 7590, 12 bases deleted (ACCGCCTTCGAC).
Protein change: p.Thr2527_Asp2530del.
Molecular consequence: inframe deletion.
Genome position (GRCh38, 1-based): chr5:13,810,078-13,810,089, GTCGAAGGCGGT deleted on the plus strand (ACCGCCTTCGAC on the coding strand, the reverse complement: DNAH5 is on the minus strand); deleting any 12 consecutive bases within chr5:13,810,078-13,810,092 gives the same sequence; the c. name uses the placement nearest the transcript's 3' end. VCF-style (leftmost placement, unchanged base first): chr5-13810077-AGTCGAAGGCGGT-A. GRCh37 (hg19) VCF-style: chr5-13810186-AGTCGAAGGCGGT-A.
Other names: c.7579_7590delACCGCCTTCGAC (NM_001369.2).
Identifiers: ClinVar variation 454804 (VCV000454804.15), dbSNP rs1554058577, ClinGen allele CA658655858.

ClinVar aggregate classification (germline): Likely pathogenic. Review status: criteria provided, single submitter (1 of 4 stars). 2 submissions from 2 submitters: Likely pathogenic (1). 1 of the submissions does not count toward it. Last evaluated 2022-08-29.

Conditions:
Primary ciliary dyskinesia. Also called: Ciliary dyskinesia. Identifiers: Orphanet 244, MedGen C0008780, MONDO:0016575, HP:0012265.

Submissions (2):

Labcorp Genetics (formerly Invitae), Labcorp
Classification: Likely pathogenic for Primary ciliary dyskinesia. Last evaluated: 2022-08-29. Review status: criteria provided, single submitter. Criteria: Invitae Variant Classification Sherloc (09022015). Collection method: clinical testing. Allele origin: germline.
Comment: In summary, the currently available evidence indicates that the variant is pathogenic, but additional data are needed to prove that conclusively. Therefore, this variant has been classified as Likely Pathogenic. ClinVar contains an entry for this variant (Variation ID: 454804). This variant has been observed in individual(s) with clinical features of DNAH5-related conditions (PMID: 32502479; Invitae). This variant is not present in population databases (gnomAD no frequency). This variant, c.7579_7590del, results in the deletion of 4 amino acid(s) of the DNAH5 protein (p.Thr2527_Asp2530del), but otherwise preserves the integrity of the reading frame.

Natera, Inc.
Classification: Uncertain significance for Primary ciliary dyskinesia. Last evaluated: 2021-06-11. Review status: no assertion criteria provided. Collection method: clinical testing. Allele origin: germline. Not counted in ClinVar's aggregate classification.

Literature cited by the submitters: PubMed 32502479 (cited by Labcorp Genetics (formerly Invitae), Labcorp).